The following is an entry in ClinVar:

ClinVar aggregate classification (germline): Pathogenic (0 of 4 stars; one submission).

Conditions:
Finnish congenital nephrotic syndrome (NPHS1). Also called: NEPHROTIC SYNDROME, TYPE 1. Identifiers: Orphanet 839, MedGen C0403399, MONDO:0009732, OMIM 256300.

Submission:

Hong-Tao Li Lab, Institute of Brain Science and Brain-inspired Research, Shandong First Medical University & Shandong Academy of Medical Sciences China
Classification: Pathogenic for Finnish congenital nephrotic syndrome. Review status: no assertion criteria provided. Collection method: research. Allele origin: germline. Inheritance: Autosomal recessive inheritance. Affected: yes. Observed: 1 variant allele, 1 homozygote.
Comment: Observed in affected individuals from a Pakistani neurodevelopmental-disorder research cohort of 263 individuals. Classification assigned using the ACMG/AMP framework.

NM_004646.4(NPHS1):c.190T>A (p.Trp64Arg)

Genes: KIRREL2 (kirre like nephrin family adhesion molecule 2; plus strand), NPHS1 (NPHS1 adhesion molecule, nephrin; minus strand). Cytogenetic location: 19q13.12.
Variant type: single nucleotide variant.
Coding change: c.190T>A on transcript NM_004646.4 (MANE Select); coding-DNA position 190, T replaced by A.
Protein change: p.Trp64Arg; replaces tryptophan 64 with arginine.
Molecular consequence: missense variant.
Genome position (GRCh38, 1-based): chr19:35,851,541, A>T on the plus strand (T>A on the coding strand, the complement: NPHS1 is on the minus strand). VCF-style: chr19-35851541-A-T. GRCh37 (hg19) VCF-style: chr19-36342443-A-T.
Other names: short protein forms W64R.
Identifiers: ClinVar variation 4884851 (VCV004884851.1).